The following is an entry in ClinVar:

ClinVar aggregate classification (germline): Uncertain significance (1 of 4 stars; one submission).

Submission:

Labcorp Genetics (formerly Invitae), Labcorp
Classification: Uncertain significance. Last evaluated: 2023-02-24. Review status: criteria provided, single submitter. Criteria: Invitae Variant Classification Sherloc (09022015). Collection method: clinical testing. Allele origin: germline.
Comment: Advanced modeling of protein sequence and biophysical properties (such as structural, functional, and spatial information, amino acid conservation, physicochemical variation, residue mobility, and thermodynamic stability) performed at Invitae indicates that this missense variant is expected to disrupt SLC9A3 protein function. In summary, the available evidence is currently insufficient to determine the role of this variant in disease. Therefore, it has been classified as a Variant of Uncertain Significance. This variant has not been reported in the literature in individuals affected with SLC9A3-related conditions. This variant is not present in population databases (gnomAD no frequency). This sequence change replaces asparagine, which is neutral and polar, with serine, which is neutral and polar, at codon 326 of the SLC9A3 protein (p.Asn326Ser).

NM_004174.4(SLC9A3):c.977A>G (p.Asn326Ser)

Gene: SLC9A3 (solute carrier family 9 member A3). Cytogenetic location: 5p15.33.
Variant type: single nucleotide variant.
Coding change: c.977A>G on transcript NM_004174.4 (MANE Select); coding-DNA position 977, A replaced by G.
Protein change: p.Asn326Ser; replaces asparagine 326 with serine.
Molecular consequence: missense variant.
Genome position (GRCh38, 1-based): chr5:483,438, T>C on the plus strand (A>G on the coding strand, the complement: SLC9A3 is on the minus strand). VCF-style: chr5-483438-T-C. GRCh37 (hg19) VCF-style: chr5-483553-T-C.
Other names: c.977A>G, p.Asn326Ser (NM_001284351.3); short protein forms N326S.
Identifiers: ClinVar variation 2840061 (VCV002840061.3), dbSNP rs2477588683, ClinGen allele CA359028259.
Genomic context (GRCh38, chr5:483,438, plus strand): 5'-GCGCTGCTGGCCAGCATCTTCATGGTGTAGCGCACGGTGGTGGCCGACTGCTCCGAGATG[T>C]TGGCCTTCACATACTTCTGACAGCAGATGCCACAGAAGGTGATGCTGCAGGGACAGACGC-3'
Protein context (NP_004165.2, residues 316-336): GICCQKYVKA[Asn326Ser]ISEQSATTVR